The following is an entry in ClinVar:

ClinVar aggregate classification (germline): Uncertain significance (1 of 4 stars; one submission).

Allele frequency attached by ClinVar (database versions not stated): gnomAD exomes 0.00001; ExAC 0.00003; gnomAD 0.00003; ESP Exome Variant Server 0.00008.
gnomAD v4.1: 25 of 1,613,982 alleles (0.0015%); highest among the groups gnomAD compares: South Asian, 0.0022%; no homozygotes.

Submission:

Labcorp Genetics (formerly Invitae), Labcorp
Classification: Uncertain significance. Last evaluated: 2025-12-09. Review status: criteria provided, single submitter. Criteria: Invitae Variant Classification Sherloc (09022015). Collection method: clinical testing. Allele origin: germline.
Comment: This sequence change replaces valine, which is neutral and non-polar, with methionine, which is neutral and non-polar, at codon 314 of the DEAF1 protein (p.Val314Met). This variant is present in population databases (rs373495490, gnomAD 0.02%). This variant has not been reported in the literature in individuals affected with DEAF1-related conditions. ClinVar contains an entry for this variant (Variation ID: 2718246). Invitae Evidence Modeling of protein sequence and biophysical properties (such as structural, functional, and spatial information, amino acid conservation, physicochemical variation, residue mobility, and thermodynamic stability) indicates that this missense variant is not expected to disrupt DEAF1 protein function with a negative predictive value of 80%. In summary, the available evidence is currently insufficient to determine the role of this variant in disease. Therefore, it has been classified as a Variant of Uncertain Significance.

NM_021008.4(DEAF1):c.940G>A (p.Val314Met)

Gene: DEAF1 (DEAF1 transcription factor; minus strand). Cytogenetic location: 11p15.5.
Variant type: single nucleotide variant.
Coding change: c.940G>A on transcript NM_021008.4 (MANE Select); coding-DNA position 940, G replaced by A.
Protein change: p.Val314Met; replaces valine 314 with methionine.
Molecular consequence: missense variant. On other transcripts: intron variant (1).
Genome position (GRCh38, 1-based): chr11:681,020, C>T on the plus strand (G>A on the coding strand, the complement: DEAF1 is on the minus strand). VCF-style: chr11-681020-C-T. GRCh37 (hg19) VCF-style: chr11-681020-C-T.
Other names: c.214G>A, p.Val72Met (NM_001367390.1, NM_001440885.1, NM_001440886.1 and 1 more transcripts); c.940G>A, p.Val314Met (NM_001440883.1, NM_001440884.1); c.731-1204G>A (NM_001293634.2); short protein forms V314M, V72M.
Identifiers: ClinVar variation 2718246 (VCV002718246.3), dbSNP rs373495490, ClinGen allele CA5786389.